The following is an entry in ClinVar:

ClinVar aggregate classification (germline): Conflicting classifications of pathogenicity. Review status: criteria provided, conflicting classifications (1 of 4 stars). 2 submissions from 2 submitters: Uncertain significance (1); Benign (1). Last evaluated 2024-09-01.

Conditions:
Kabuki syndrome. Also called: NIIKAWA-KUROKI SYNDROME; Kabuki make-up syndrome. Identifiers: Orphanet 2322, MedGen C0796004, MONDO:0016512.
Kabuki syndrome 1 (KABUK1). Also called: KMT2D-Related Kabuki Syndrome. Identifiers: Orphanet 2322, MedGen CN030661, MONDO:0007843, OMIM 147920.

Allele frequency attached by ClinVar (database versions not stated): gnomAD exomes below 0.00001; gnomAD 0.00004 and 0.00005; TOPMed 0.00005.
gnomAD v4.1: 12 of 1,613,858 alleles (0.00074%); highest among the groups gnomAD compares: African/African-American, 0.015%; no homozygotes.

Submissions (2):

Labcorp Genetics (formerly Invitae), Labcorp
Classification: Benign for Kabuki syndrome. Last evaluated: 2024-09-01. Review status: criteria provided, single submitter. Criteria: Invitae Variant Classification Sherloc (09022015). Collection method: clinical testing. Allele origin: germline.

New York Genome Center
Classification: Uncertain significance for Kabuki syndrome 1. Last evaluated: 2019-09-13. Review status: criteria provided, single submitter. Criteria: NYGC Assertion Criteria 2020. Collection method: clinical testing. Allele origin: germline. Inheritance: Autosomal dominant inheritance. Observed: 1 heterozygote. Study: CSER-NYCKidSeq.
Comment: The c.14519G>A (p.Gly4840Glu) variant identified in the KMT2D gene substitutes a well conserved Glycine for Glutamic Acid at amino acid 4840/5538 (coding exon 47/54). This variant is found in a single individual in gnomAD (1 heterozygote, 0 homozygotes; allele frequency: 3.19e-5) and is absent from ExAC, suggesting it is not a common benign variant in the populations represented in these databases. In silico algorithms do not agree on the consequence of this variant, as it is predicted both Neutral (Provean;score:-1.02) and Damaging (SIFT; score:0.003) to the function of the canonical transcript. This variant is absent from ClinVar and to our current knowledge has not been identified in any affected individuals in the literature. Given the lack of compelling evidence for its pathogenicity, the c.14519 (p.Gly4840Glu) variant in the KMT2D gene is reported here as a Variant of Uncertain Significance.

NM_003482.4(KMT2D):c.14519G>A (p.Gly4840Glu)

Gene: KMT2D (lysine methyltransferase 2D; minus strand). Cytogenetic location: 12q13.12.
Variant type: single nucleotide variant.
Coding change: c.14519G>A on transcript NM_003482.4 (MANE Select); coding-DNA position 14519, G replaced by A.
Protein change: p.Gly4840Glu; replaces glycine 4840 with glutamic acid.
Molecular consequence: missense variant.
Genome position (GRCh38, 1-based): chr12:49,027,927, C>T on the plus strand (G>A on the coding strand, the complement: KMT2D is on the minus strand). VCF-style: chr12-49027927-C-T. GRCh37 (hg19) VCF-style: chr12-49421710-C-T.
Other names: short protein forms G4840E.
Identifiers: ClinVar variation 996857 (VCV000996857.3), dbSNP rs1054025123, ClinGen allele CA236634483.
Genomic context (GRCh38, chr12:49,027,927, plus strand): 5'-AACTGCTTCAGCCAATCAGGGCCAGTGTCTGGGCTCTTGCCTTCCAGACCCTTTTCCTTC[C>T]CACCTGCAGAAAGGAGTGGATCAGAGCCTCCCACCAGAATCACTCCCCTCAAGTCCCAAA-3'
Protein context (NP_003473.3, residues 4830-4850): PKKGEAEGPG[Gly4840Glu]KEKGLEGKSP